The following is an entry in ClinVar:

NM_182931.3(KMT2E):c.535C>T (p.Arg179Trp)

Gene: KMT2E (lysine methyltransferase 2E (inactive); plus strand). Cytogenetic location: 7q22.3.
Variant type: single nucleotide variant.
Coding change: c.535C>T on transcript NM_182931.3 (MANE Select); coding-DNA position 535, C replaced by T.
Protein change: p.Arg179Trp; replaces arginine 179 with tryptophan.
Molecular consequence: missense variant.
Genome position (GRCh38, 1-based): chr7:105,073,656, C>T. VCF-style: chr7-105073656-C-T. GRCh37 (hg19) VCF-style: chr7-104714103-C-T.
Other names: c.535C>T, p.Arg179Trp (NM_001410908.1, NM_018682.4); short protein forms R179W.
Identifiers: ClinVar variation 2799870 (VCV002799870.7), dbSNP rs199652176, ClinGen allele CA4423736.

ClinVar aggregate classification (germline): Conflicting classifications of pathogenicity. Review status: criteria provided, conflicting classifications (1 of 4 stars). 2 submissions from 2 submitters: Uncertain significance (1); Likely benign (1). Last evaluated 2026-02-01.

Allele frequency attached by ClinVar (database versions not stated): TOPMed below 0.00001; gnomAD 0.00001; ExAC 0.00005; 1000 Genomes Project 30x 0.00016; 1000 Genomes Project 0.00020.

Submissions (2):

CeGaT Center for Human Genetics Tuebingen
Classification: Likely benign. Last evaluated: 2026-02-01. Review status: criteria provided, single submitter. Criteria: CeGaT Center For Human Genetics Tuebingen Variant Classification Criteria Version 2. Collection method: clinical testing. Allele origin: germline. Affected: yes. Observed: 1 variant allele.
Comment: KMT2E: BS2

Labcorp Genetics (formerly Invitae), Labcorp
Classification: Uncertain significance. Last evaluated: 2025-01-20. Review status: criteria provided, single submitter. Criteria: Invitae Variant Classification Sherloc (09022015). Collection method: clinical testing. Allele origin: germline.
Comment: This sequence change replaces arginine, which is basic and polar, with tryptophan, which is neutral and slightly polar, at codon 179 of the KMT2E protein (p.Arg179Trp). This variant is present in population databases (rs199652176, gnomAD 0.007%). This variant has not been reported in the literature in individuals affected with KMT2E-related conditions. ClinVar contains an entry for this variant (Variation ID: 2799870). Invitae Evidence Modeling of protein sequence and biophysical properties (such as structural, functional, and spatial information, amino acid conservation, physicochemical variation, residue mobility, and thermodynamic stability) indicates that this missense variant is expected to disrupt KMT2E protein function with a positive predictive value of 80%. In summary, the available evidence is currently insufficient to determine the role of this variant in disease. Therefore, it has been classified as a Variant of Uncertain Significance.